The following is an entry in ClinVar:

NM_006859.4(LIAS):c.28C>T (p.Arg10Cys)

Genes: LIAS (lipoic acid synthetase; plus strand), LOC112939935 (Sharpr-MPRA regulatory region 11886; plus strand). Cytogenetic location: 4p14.
Variant type: single nucleotide variant.
Coding change: c.28C>T on transcript NM_006859.4 (MANE Select); coding-DNA position 28, C replaced by T.
Protein change: p.Arg10Cys; replaces arginine 10 with cysteine.
Molecular consequence: missense variant.
Genome position (GRCh38, 1-based): chr4:39,459,145, C>T. VCF-style: chr4-39459145-C-T. GRCh37 (hg19) VCF-style: chr4-39460765-C-T.
Other names: c.28C>T, p.Arg10Cys (NM_001278590.2, NM_001278591.2, NM_001278592.2 and 2 more transcripts); short protein forms R10C.
Identifiers: ClinVar variation 2071097 (VCV002071097.1), dbSNP rs143267758, ClinGen allele CA95723770.

ClinVar aggregate classification (germline): Uncertain significance (1 of 4 stars; one submission).

Conditions:
Lipoic acid synthetase deficiency. Also called: HYPERGLYCINEMIA, LACTIC ACIDOSIS, AND SEIZURES. Identifiers: Orphanet 401859, MedGen C3280887, MONDO:0013762, OMIM 614462.

Allele frequency attached by ClinVar (database versions not stated): ESP Exome Variant Server 0.00008.
gnomAD v4.1: 21 of 1,613,532 alleles (0.0013%); highest among the groups gnomAD compares: African/African-American, 0.0027%; no homozygotes.

Submission:

Labcorp Genetics (formerly Invitae), Labcorp
Classification: Uncertain significance for Lipoic acid synthetase deficiency. Last evaluated: 2022-07-11. Review status: criteria provided, single submitter. Criteria: Invitae Variant Classification Sherloc (09022015). Collection method: clinical testing. Allele origin: germline.
Comment: This sequence change replaces arginine, which is basic and polar, with cysteine, which is neutral and slightly polar, at codon 10 of the LIAS protein (p.Arg10Cys). This variant is present in population databases (rs143267758, gnomAD 0.007%). This variant has not been reported in the literature in individuals affected with LIAS-related conditions. Algorithms developed to predict the effect of missense changes on protein structure and function output the following: SIFT: "Tolerated"; PolyPhen-2: "Benign"; Align-GVGD: "Class C0". The cysteine amino acid residue is found in multiple mammalian species, which suggests that this missense change does not adversely affect protein function. In summary, the available evidence is currently insufficient to determine the role of this variant in disease. Therefore, it has been classified as a Variant of Uncertain Significance.